The following is an entry in ClinVar:

ClinVar aggregate classification (germline): Likely benign. Review status: criteria provided, multiple submitters, no conflicts (2 of 4 stars). 2 submissions from 2 submitters: Likely benign (2). Last evaluated 2025-12-26.

Conditions:
ATP8B1-related disorder. Also called: ATP8B1-related condition; ATP8B1-related disorders.

gnomAD v4.1: 2 of 1,614,228 alleles (0.00012%); no homozygotes.

Submissions (2):

PreventionGenetics, part of Exact Sciences
Classification: Likely benign for ATP8B1-related condition. Last evaluated: 2025-12-26. Review status: criteria provided, single submitter. Criteria: ACMG Guidelines, 2015. Collection method: clinical testing. Allele origin: germline.
Comment: This variant is classified as likely benign based on ACMG/AMP sequence variant interpretation guidelines (Richards et al. 2015 PMID: 25741868, with internal and published modifications).

Labcorp Genetics (formerly Invitae), Labcorp
Classification: Likely benign. Last evaluated: 2024-03-07. Review status: criteria provided, single submitter. Criteria: Invitae Variant Classification Sherloc (09022015). Collection method: clinical testing. Allele origin: germline.

NM_001374385.1(ATP8B1):c.2730A>T (p.Ile910=)

Genes: ATP8B1 (ATPase phospholipid transporting 8B1; minus strand), ATP8B1-AS1 (ATP8B1 antisense RNA 1; plus strand). Cytogenetic location: 18q21.31.
Variant type: single nucleotide variant.
Coding change: c.2730A>T on transcript NM_001374385.1 (MANE Select); coding-DNA position 2730, A replaced by T.
Protein change: p.Ile910=; no amino-acid change (isoleucine 910 retained).
Molecular consequence: synonymous variant.
Genome position (GRCh38, 1-based): chr18:57,655,395, T>A on the plus strand (A>T on the coding strand, the complement: ATP8B1 is on the minus strand). VCF-style: chr18-57655395-T-A. GRCh37 (hg19) VCF-style: chr18-55322627-T-A.
Other names: c.2730A>T (NM_005603.4); c.2580A>T, p.Ile860= (NM_001374386.1); c.2730A>T, p.Ile910= (NM_005603.6).
Identifiers: ClinVar variation 2803388 (VCV002803388.4), dbSNP rs2511630949, ClinGen allele CA504015840.